The following is an entry in ClinVar:

ClinVar aggregate classification (germline): Uncertain significance (1 of 4 stars; one submission).

Submission:

Labcorp Genetics (formerly Invitae), Labcorp
Classification: Uncertain significance. Last evaluated: 2024-10-28. Review status: criteria provided, single submitter. Criteria: Invitae Variant Classification Sherloc (09022015). Collection method: clinical testing. Allele origin: germline.
Comment: This variant, c.7497_7514del, results in the deletion of 6 amino acid(s) of the SRCAP protein (p.Cys2505_Ala2510del), but otherwise preserves the integrity of the reading frame. This variant is present in population databases (rs756645476, gnomAD 0.004%). This variant has not been reported in the literature in individuals affected with SRCAP-related conditions. ClinVar contains an entry for this variant (Variation ID: 2175906). Experimental studies and prediction algorithms are not available or were not evaluated, and the functional significance of this variant is currently unknown. In summary, the available evidence is currently insufficient to determine the role of this variant in disease. Therefore, it has been classified as a Variant of Uncertain Significance.

NM_006662.3(SRCAP):c.7497_7514del (p.2499CTPPPA[1])

Gene: SRCAP (Snf2 related CREBBP activator protein; plus strand). Cytogenetic location: 16p11.2.
Variant type: Deletion.
Coding change: c.7497_7514del on transcript NM_006662.3 (MANE Select); coding-DNA positions 7497 to 7514, 18 bases deleted (CACCCCTCCTCCTGCCTG).
Protein change: p.2499CTPPPA[1].
Molecular consequence: inframe deletion.
Genome position (GRCh38, 1-based): chr16:30,737,537-30,737,554, CACCCCTCCTCCTGCCTG deleted; deleting any 18 consecutive bases within chr16:30,737,527-30,737,554 gives the same sequence; the c. name uses the placement nearest the transcript's 3' end. VCF-style (leftmost placement, unchanged base first): chr16-30737526-TCTCCTGCCTGCACCCCTC-T. GRCh37 (hg19) VCF-style: chr16-30748847-TCTCCTGCCTGCACCCCTC-T.
Identifiers: ClinVar variation 2175906 (VCV002175906.4), dbSNP rs756645476, ClinGen allele CA8012492.